The following is an entry in ClinVar:

ClinVar aggregate classification (germline): Uncertain significance (1 of 4 stars; one submission).

Submission:

Labcorp Genetics (formerly Invitae), Labcorp
Classification: Uncertain significance. Last evaluated: 2026-02-02. Review status: criteria provided, single submitter. Criteria: Invitae Variant Classification Sherloc (09022015). Collection method: clinical testing. Allele origin: germline.
Comment: This sequence change replaces arginine, which is basic and polar, with serine, which is neutral and polar, at codon 300 of the JAK2 protein (p.Arg300Ser). This variant is not present in population databases (gnomAD no frequency). This variant has not been reported in the literature in individuals affected with JAK2-related conditions. ClinVar contains an entry for this variant (Variation ID: 2800931). Invitae Evidence Modeling of protein sequence and biophysical properties (such as structural, functional, and spatial information, amino acid conservation, physicochemical variation, residue mobility, and thermodynamic stability) indicates that this missense variant is not expected to disrupt JAK2 protein function with a negative predictive value of 80%. In summary, the available evidence is currently insufficient to determine the role of this variant in disease. Therefore, it has been classified as a Variant of Uncertain Significance.

NM_004972.4(JAK2):c.900A>T (p.Arg300Ser)

Genes: INSL6 (insulin like 6; minus strand), JAK2 (Janus kinase 2; plus strand). Cytogenetic location: 9p24.1.
Variant type: single nucleotide variant.
Coding change: c.900A>T on transcript NM_004972.4 (MANE Select); coding-DNA position 900, A replaced by T.
Protein change: p.Arg300Ser; replaces arginine 300 with serine.
Molecular consequence: missense variant. On other transcripts: non-coding transcript variant (2), intron variant (2).
Genome position (GRCh38, 1-based): chr9:5,054,848, A>T. VCF-style: chr9-5054848-A-T. GRCh37 (hg19) VCF-style: chr9-5054848-A-T.
Other names: c.900A>T, p.Arg300Ser (NM_001322194.2, NM_001322195.2, NM_001322196.2); c.453A>T, p.Arg151Ser (NM_001322204.2); c.-280+59A>T (NM_001322198.2, NM_001322199.2); short protein forms R151S, R300S.
Identifiers: ClinVar variation 2800931 (VCV002800931.3), dbSNP rs2130412360, ClinGen allele CA372820641.